The following is an entry in ClinVar:

ClinVar aggregate classification (germline): Uncertain significance (1 of 4 stars; one submission).

gnomAD v4.1: 1 of 1,613,934 alleles (0.000062%); highest among the groups gnomAD compares: African/African-American, 0.0013%; no homozygotes.

Submission:

Ambry Genetics
Classification: Uncertain significance. Last evaluated: 2025-06-01. Review status: criteria provided, single submitter. Criteria: Ambry Variant Classification Scheme 2023. Collection method: clinical testing. Allele origin: germline.
Comment: The p.Q127K variant (also known as c.379C>A), located in coding exon 1 of the CDK12 gene, results from a C to A substitution at nucleotide position 379. The glutamine at codon 127 is replaced by lysine, an amino acid with similar properties. This amino acid position is conserved. In addition, this alteration is predicted to be tolerated by in silico analysis. Based on the available evidence, the clinical significance of this variant remains unclear.

NM_016507.4(CDK12):c.379C>A (p.Gln127Lys)

Genes: CDK12 (cyclin dependent kinase 12; plus strand), LOC126862553 (CDK7 strongly-dependent group 2 enhancer GRCh37_chr17:37618166-37619365; plus strand). Cytogenetic location: 17q12.
Variant type: single nucleotide variant.
Coding change: c.379C>A on transcript NM_016507.4 (MANE Select); coding-DNA position 379, C replaced by A.
Protein change: p.Gln127Lys; replaces glutamine 127 with lysine.
Molecular consequence: missense variant.
Genome position (GRCh38, 1-based): chr17:39,462,450, C>A. VCF-style: chr17-39462450-C-A. GRCh37 (hg19) VCF-style: chr17-37618703-C-A.
Other names: c.379C>A, p.Gln127Lys (NM_015083.4); short protein forms Q127K.
Identifiers: ClinVar variation 3999518 (VCV003999518.1).